The following is an entry in ClinVar:

ClinVar aggregate classification (germline): Uncertain significance. Review status: criteria provided, multiple submitters, no conflicts (2 of 4 stars). 2 submissions from 2 submitters: Uncertain significance (2). Last evaluated 2025-11-19.

Conditions:
Inborn genetic diseases. Identifiers: MedGen C0950123, MeSH D030342.
Hermansky-Pudlak syndrome 2 (HPS2). Also called: Platelet defects and oculocutaneous albinism. Identifiers: Orphanet 183678, Orphanet 79430, MedGen C1842362, MONDO:0011997, OMIM 608233.

Allele frequency attached by ClinVar (database versions not stated): gnomAD 0.00001.
gnomAD v4.1: 12 of 1,612,272 alleles (0.00074%); highest among the groups gnomAD compares: Admixed American, 0.0033%; no homozygotes.

Submissions (2):

Ambry Genetics
Classification: Uncertain significance for Inborn genetic diseases. Last evaluated: 2025-11-19. Review status: criteria provided, single submitter. Criteria: Ambry Variant Classification Scheme 2023. Collection method: clinical testing. Allele origin: germline.

Labcorp Genetics (formerly Invitae), Labcorp
Classification: Uncertain significance for Hermansky-Pudlak syndrome 2. Last evaluated: 2022-08-14. Review status: criteria provided, single submitter. Criteria: Invitae Variant Classification Sherloc (09022015). Collection method: clinical testing. Allele origin: germline.
Comment: This variant is present in population databases (no rsID available, gnomAD 0.02%). In summary, the available evidence is currently insufficient to determine the role of this variant in disease. Therefore, it has been classified as a Variant of Uncertain Significance. Algorithms developed to predict the effect of missense changes on protein structure and function are either unavailable or do not agree on the potential impact of this missense change (SIFT: "Deleterious"; PolyPhen-2: "Benign"; Align-GVGD: "Class C0"). ClinVar contains an entry for this variant (Variation ID: 1003695). This variant has not been reported in the literature in individuals affected with AP3B1-related conditions. This sequence change replaces tyrosine, which is neutral and polar, with cysteine, which is neutral and slightly polar, at codon 274 of the AP3B1 protein (p.Tyr274Cys).

NM_003664.5(AP3B1):c.821A>G (p.Tyr274Cys)

Gene: AP3B1 (adaptor related protein complex 3 subunit beta 1; minus strand). Cytogenetic location: 5q14.1.
Variant type: single nucleotide variant.
Coding change: c.821A>G on transcript NM_003664.5 (MANE Select); coding-DNA position 821, A replaced by G.
Protein change: p.Tyr274Cys; replaces tyrosine 274 with cysteine.
Molecular consequence: missense variant.
Genome position (GRCh38, 1-based): chr5:78,181,628, T>C on the plus strand (A>G on the coding strand, the complement: AP3B1 is on the minus strand). VCF-style: chr5-78181628-T-C. GRCh37 (hg19) VCF-style: chr5-77477452-T-C.
Other names: c.674A>G, p.Tyr225Cys (NM_001271769.2); c.821A>G (NM_003664.3); short protein forms Y225C, Y274C.
Identifiers: ClinVar variation 1003695 (VCV001003695.7), dbSNP rs989736183, ClinGen allele CA360190458.